The following is an entry in ClinVar:

ClinVar aggregate classification (germline): Pathogenic (1 of 4 stars; one submission).

Conditions:
Inborn genetic diseases. Identifiers: MedGen C0950123, MeSH D030342.

Submission:

Ambry Genetics
Classification: Pathogenic for Inborn genetic diseases. Last evaluated: 2017-03-09. Review status: criteria provided, single submitter. Criteria: Ambry Variant Classification Scheme 2023. Collection method: clinical testing. Allele origin: germline.
Comment: The c.1925delT pathogenic mutation, located in coding exon 15 of the CACNA1A gene, results from a deletion of one nucleotide at nucleotide position 1925, causing a translational frameshift with a predicted alternate stop codon (p.F642Sfs*17). This alteration is expected to result in loss of function by premature protein truncation or nonsense-mediated mRNA decay. As such, this alteration is interpreted as a disease-causing mutation.

NM_001127222.2(CACNA1A):c.1922del (p.Phe641fs)

Gene: CACNA1A (calcium voltage-gated channel subunit alpha1 A; minus strand). Cytogenetic location: 19p13.13.
Variant type: Deletion.
Coding change: c.1922del on transcript NM_001127222.2 (MANE Select); coding-DNA position 1922, one base deleted (T; older notation c.1922delT).
Protein change: p.Phe641fs; shifts the reading frame from phenylalanine 641.
Molecular consequence: frameshift variant.
Genome position (GRCh38, 1-based): chr19:13,307,846, A deleted on the plus strand (T on the coding strand, the reverse complement: CACNA1A is on the minus strand); the first of 3 consecutive A bases (chr19:13,307,846-13,307,848); deleting any one gives the same sequence. VCF-style (leftmost placement, unchanged base first): chr19-13307845-GA-G. GRCh37 (hg19) VCF-style: chr19-13418659-GA-G.
Other names: c.1925del, p.Phe642fs (NM_000068.4, NM_001127221.2, NM_001174080.2 and 1 more transcripts); c.1925delT (NM_001127221.1); short protein forms F641fs, F642fs.
Identifiers: ClinVar variation 588860 (VCV000588860.5), dbSNP rs1568518139, ClinGen allele CA891843758.